The following is an entry in ClinVar:

ClinVar aggregate classification (germline): Likely pathogenic (1 of 4 stars; one submission).

Submission:

Labcorp Genetics (formerly Invitae), Labcorp
Classification: Likely pathogenic. Last evaluated: 2022-02-04. Review status: criteria provided, single submitter. Criteria: Invitae Variant Classification Sherloc (09022015). Collection method: clinical testing. Allele origin: germline.
Comment: This sequence change replaces serine, which is neutral and polar, with arginine, which is basic and polar, at codon 687 of the PHEX protein (p.Ser687Arg). This variant is not present in population databases (gnomAD no frequency). In summary, the currently available evidence indicates that the variant is pathogenic, but additional data are needed to prove that conclusively. Therefore, this variant has been classified as Likely Pathogenic. Advanced modeling of protein sequence and biophysical properties (such as structural, functional, and spatial information, amino acid conservation, physicochemical variation, residue mobility, and thermodynamic stability) performed at Invitae indicates that this missense variant is expected to disrupt PHEX protein function. This missense change has been observed in individual(s) with hypophosphatemia (Invitae).

NM_000444.6(PHEX):c.2059A>C (p.Ser687Arg)

Genes: PHEX (phosphate regulating endopeptidase X-linked; plus strand), PTCHD1-AS (PTCHD1 and PHEX antisense RNA; minus strand). Cytogenetic location: Xp22.11.
Variant type: single nucleotide variant.
Coding change: c.2059A>C on transcript NM_000444.6 (MANE Select); coding-DNA position 2059, A replaced by C.
Protein change: p.Ser687Arg; replaces serine 687 with arginine.
Molecular consequence: missense variant. On other transcripts: non-coding transcript variant (1).
Genome position (GRCh38, 1-based): chrX:22,227,600, A>C. VCF-style: chrX-22227600-A-C. GRCh37 (hg19) VCF-style: chrX-22245717-A-C.
Other names: c.2059A>C, p.Ser687Arg (NM_001282754.2); short protein forms S687R.
Identifiers: ClinVar variation 2092820 (VCV002092820.4), dbSNP rs2518676990, ClinGen allele CA412574486.
Genomic context (GRCh38, chrX:22,227,600, plus strand): 5'-GGACTTGAGGAGCCTCTTCTACCAGGCATCACATTCACCAACAACCAGCTCTTCTTCCTG[A>C]GTTATGCTCATGTGAGTAGACTGAGGAAGGGGCATCAGGGATGAGATGCAGGACTTGAGT-3'
Protein context (NP_000435.3, residues 677-697): TFTNNQLFFL[Ser687Arg]YAHVRCNSYR